The following is an entry in ClinVar:

ClinVar aggregate classification (germline): Pathogenic (1 of 4 stars; one submission).

Conditions:
Adams-Oliver syndrome 5 (AOS5). Identifiers: Orphanet 974, MedGen C4014970, MONDO:0014459, OMIM 616028.

Submission:

Labcorp Genetics (formerly Invitae), Labcorp
Classification: Pathogenic for Adams-Oliver syndrome 5. Last evaluated: 2025-09-22. Review status: criteria provided, single submitter. Criteria: Invitae Variant Classification Sherloc (09022015). Collection method: clinical testing. Allele origin: germline.
Comment: This sequence change creates a premature translational stop signal (p.Gln1722*) in the NOTCH1 gene. It is expected to result in an absent or disrupted protein product. Loss-of-function variants in NOTCH1 are known to be pathogenic (PMID: 16025100, 21457232, 25132448, 25963545, 32720365, 33630301). This variant is not present in population databases (gnomAD no frequency). This variant has not been reported in the literature in individuals affected with NOTCH1-related conditions. For these reasons, this variant has been classified as Pathogenic.

Literature cited by the submitters: PubMed 16025100; PubMed 21457232; PubMed 25132448; PubMed 25963545; PubMed 32720365; PubMed 33630301.

NM_017617.5(NOTCH1):c.5164C>T (p.Gln1722Ter)

Gene: NOTCH1 (notch receptor 1; minus strand). Cytogenetic location: 9q34.3.
Variant type: single nucleotide variant.
Coding change: c.5164C>T on transcript NM_017617.5 (MANE Select); coding-DNA position 5164, C replaced by T.
Protein change: p.Gln1722Ter; replaces glutamine 1722 with a stop codon.
Molecular consequence: nonsense.
Genome position (GRCh38, 1-based): chr9:136,503,185, G>A on the plus strand (C>T on the coding strand, the complement: NOTCH1 is on the minus strand). VCF-style: chr9-136503185-G-A. GRCh37 (hg19) VCF-style: chr9-139397637-G-A.
Other names: short protein forms Q1722*.
Identifiers: ClinVar variation 4727660 (VCV004727660.1).